The following is an entry in ClinVar:

ClinVar aggregate classification (germline): Uncertain significance (1 of 4 stars; one submission).

Submission:

Clinical Genomics Laboratory, Washington University in St. Louis
Classification: Uncertain significance. Last evaluated: 2023-08-20. Review status: criteria provided, single submitter. Criteria: ACMG Guidelines, 2015. Collection method: clinical testing. Allele origin: germline.
Comment: The CPEB4 c.2021G>A (p.Arg674His) variant, to our knowledge, has not been reported in the medical literature. This variant is absent from the general population (gnomAD v.2.1.1), indicating it is not a common variant. Computational predictors are uncertain/conflicting as to the impact of this variant on CPEB4 protein function. Due to limited information, the clinical significance of this variant is uncertain.

NM_030627.4(CPEB4):c.2021G>A (p.Arg674His)

Gene: CPEB4 (cytoplasmic polyadenylation element binding protein 4; plus strand). Cytogenetic location: 5q35.2.
Variant type: single nucleotide variant.
Coding change: c.2021G>A on transcript NM_030627.4 (MANE Select); coding-DNA position 2021, G replaced by A.
Protein change: p.Arg674His; replaces arginine 674 with histidine.
Molecular consequence: missense variant.
Genome position (GRCh38, 1-based): chr5:173,955,968, G>A. VCF-style: chr5-173955968-G-A. GRCh37 (hg19) VCF-style: chr5-173382971-G-A.
Other names: c.1970G>A, p.Arg657His (NM_001308189.2); c.1946G>A, p.Arg649His (NM_001308191.2); c.851G>A, p.Arg284His (NM_001308192.2); c.800G>A, p.Arg267His (NM_001308193.2); short protein forms R267H, R284H, R649H, R657H, R674H.
Identifiers: ClinVar variation 2672217 (VCV002672217.1), dbSNP rs1758363739, ClinGen allele CA362227588.